The following is an entry in ClinVar:

NM_002528.7(NTHL1):c.672T>C (p.Thr224=)

Gene: NTHL1 (nth like DNA glycosylase 1; minus strand). Cytogenetic location: 16p13.3.
Variant type: single nucleotide variant.
Coding change: c.672T>C on transcript NM_002528.7 (MANE Select); coding-DNA position 672, T replaced by C.
Protein change: p.Thr224=; no amino-acid change (threonine 224 retained).
Molecular consequence: synonymous variant.
Genome position (GRCh38, 1-based): chr16:2,043,580, A>G on the plus strand (T>C on the coding strand, the complement: NTHL1 is on the minus strand). VCF-style: chr16-2043580-A-G. GRCh37 (hg19) VCF-style: chr16-2093581-A-G.
Other names: c.501T>C, p.Thr167= (NM_001318193.2); c.342T>C, p.Thr114= (NM_001318194.2); c.696T>C (NM_002528.6, NM_002528.5).
Identifiers: ClinVar variation 1655891 (VCV001655891.24), dbSNP rs144204932, ClinGen allele CA492951704.
Genomic context (GRCh38, chr16:2,043,580, plus strand): 5'-CAAGAGCAGCCAGTGGGCTGGAGCCAGCCCCGCCCTCCTCTACTCACCAATGCCTGACAC[A>G]GTGCCCCAGGCCACAGCCATAGCCAGGTGTGCCATCTTGGGCCCAACACCCGGCAGCGCC-3'
Protein context (NP_002519.2, residues 214-234): AHLAMAVAWG[Thr224=]VSGIAVDTHV

ClinVar aggregate classification (germline): Likely benign. Review status: criteria provided, multiple submitters, no conflicts (2 of 4 stars). 4 submissions from 4 submitters: Likely benign (4). Last evaluated 2024-11-24.

Conditions:
Hereditary cancer-predisposing syndrome. Also called: Hereditary Cancer Syndrome; Neoplastic Syndromes, Hereditary; Hereditary neoplastic syndrome; Tumor predisposition. Identifiers: Orphanet 140162, MedGen C0027672, MeSH D009386, MONDO:0015356.

gnomAD v4.1: 2 of 1,608,092 alleles (0.00012%); highest among the groups gnomAD compares: Non-Finnish European, 0.00017%; no homozygotes.

Submissions (4):

Ambry Genetics
Classification: Likely benign for Hereditary cancer-predisposing syndrome. Last evaluated: 2024-11-24. Review status: criteria provided, single submitter. Criteria: Ambry Variant Classification Scheme 2023. Collection method: clinical testing. Allele origin: germline.

CeGaT Center for Human Genetics Tuebingen
Classification: Likely benign. Last evaluated: 2024-10-01. Review status: criteria provided, single submitter. Criteria: CeGaT Center For Human Genetics Tuebingen Variant Classification Criteria Version 2. Collection method: clinical testing. Allele origin: germline. Affected: yes. Observed: 1 variant allele.
Comment: NTHL1: BP4, BP7

Labcorp Genetics (formerly Invitae), Labcorp
Classification: Likely benign. Last evaluated: 2023-09-12. Review status: criteria provided, single submitter. Criteria: Invitae Variant Classification Sherloc (09022015). Collection method: clinical testing. Allele origin: germline.

Quest Diagnostics Nichols Institute San Juan Capistrano
Classification: Likely benign. Last evaluated: 2023-05-04. Review status: criteria provided, single submitter. Criteria: Quest Diagnostics criteria. Collection method: clinical testing. Allele origin: unknown.